The following is an entry in ClinVar:

NM_001130009.3(GEN1):c.875A>G (p.Tyr292Cys)

Gene: GEN1 (GEN1 structure-specific endonuclease; plus strand). Cytogenetic location: 2p24.2.
Variant type: single nucleotide variant.
Coding change: c.875A>G on transcript NM_001130009.3 (MANE Select); coding-DNA position 875, A replaced by G.
Protein change: p.Tyr292Cys; replaces tyrosine 292 with cysteine.
Molecular consequence: missense variant.
Genome position (GRCh38, 1-based): chr2:17,772,706, A>G. VCF-style: chr2-17772706-A-G. GRCh37 (hg19) VCF-style: chr2-17953973-A-G.
Other names: c.875A>G, p.Tyr292Cys (NM_182625.5); c.875A>G (NM_001130009.1); short protein forms Y292C.
Identifiers: ClinVar variation 1004418 (VCV001004418.10), dbSNP rs149884551, ClinGen allele CA1540587.

ClinVar aggregate classification (germline): Uncertain significance. Review status: criteria provided, multiple submitters, no conflicts (2 of 4 stars). 2 submissions from 2 submitters: Uncertain significance (2). Last evaluated 2025-08-07.

Allele frequency attached by ClinVar (database versions not stated): gnomAD 0.00001; gnomAD exomes 0.00002 and 0.00003; TOPMed 0.00002; ExAC 0.00004; ESP Exome Variant Server 0.00008.
gnomAD v4.1: 36 of 1,612,038 alleles (0.0022%); highest among the groups gnomAD compares: South Asian, 0.016%; no homozygotes.

Submissions (2):

Labcorp Genetics (formerly Invitae), Labcorp
Classification: Uncertain significance. Last evaluated: 2025-08-07. Review status: criteria provided, single submitter. Criteria: Invitae Variant Classification Sherloc (09022015). Collection method: clinical testing. Allele origin: germline.
Comment: This sequence change replaces tyrosine, which is neutral and polar, with cysteine, which is neutral and slightly polar, at codon 292 of the GEN1 protein (p.Tyr292Cys). This variant is present in population databases (rs149884551, gnomAD 0.02%). This variant has not been reported in the literature in individuals affected with GEN1-related conditions. ClinVar contains an entry for this variant (Variation ID: 1004418). An algorithm developed to predict the effect of missense changes on protein structure and function (PolyPhen-2) suggests that this variant is likely to be disruptive. In summary, the available evidence is currently insufficient to determine the role of this variant in disease. Therefore, it has been classified as a Variant of Uncertain Significance.

Ambry Genetics
Classification: Uncertain significance. Last evaluated: 2024-11-22. Review status: criteria provided, single submitter. Criteria: Ambry Variant Classification Scheme 2023. Collection method: clinical testing. Allele origin: germline.
Comment: The p.Y292C variant (also known as c.875A>G), located in coding exon 7 of the GEN1 gene, results from an A to G substitution at nucleotide position 875. The tyrosine at codon 292 is replaced by cysteine, an amino acid with highly dissimilar properties. This amino acid position is conserved. In addition, this alteration is predicted to be tolerated by in silico analysis. Based on the available evidence, the clinical significance of this variant remains unclear.